The following is an entry in ClinVar:

ClinVar aggregate classification (germline): Uncertain significance. Review status: criteria provided, multiple submitters, no conflicts (2 of 4 stars). 3 submissions from 3 submitters: Uncertain significance (3). Last evaluated 2026-05-16.

Conditions:
Hereditary cancer-predisposing syndrome. Also called: Neoplastic Syndromes, Hereditary; Tumor predisposition; Hereditary Cancer Syndrome; Hereditary neoplastic syndrome. Identifiers: Orphanet 140162, MedGen C0027672, MeSH D009386, MONDO:0015356.
Hereditary nonpolyposis colorectal neoplasms. Identifiers: MedGen C0009405, MeSH D003123.

gnomAD v4.1: 1 of 1,614,048 alleles (0.000062%); highest among the groups gnomAD compares: African/African-American, 0.0013%; no homozygotes.

Submissions (3):

Ambry Genetics
Classification: Uncertain significance for Hereditary cancer-predisposing syndrome. Last evaluated: 2026-05-16. Review status: criteria provided, single submitter. Criteria: Ambry Variant Classification Scheme 2023. Collection method: clinical testing. Allele origin: germline.
Comment: The p.T636A variant (also known as c.1906A>G), located in coding exon 4 of the MSH6 gene, results from an A to G substitution at nucleotide position 1906. The threonine at codon 636 is replaced by alanine, an amino acid with similar properties. This amino acid position is conserved. In addition, this alteration is predicted to be tolerated by in silico analysis. Based on the available evidence, the clinical significance of this variant remains unclear.

Labcorp Genetics (formerly Invitae), Labcorp
Classification: Uncertain significance for Hereditary nonpolyposis colorectal neoplasms. Last evaluated: 2024-03-15. Review status: criteria provided, single submitter. Criteria: Invitae Variant Classification Sherloc (09022015). Collection method: clinical testing. Allele origin: germline.
Comment: This sequence change replaces threonine, which is neutral and polar, with alanine, which is neutral and non-polar, at codon 636 of the MSH6 protein (p.Thr636Ala). This variant is not present in population databases (gnomAD no frequency). This variant has not been reported in the literature in individuals affected with MSH6-related conditions. ClinVar contains an entry for this variant (Variation ID: 2418778). Advanced modeling of protein sequence and biophysical properties (such as structural, functional, and spatial information, amino acid conservation, physicochemical variation, residue mobility, and thermodynamic stability) performed at Invitae indicates that this missense variant is not expected to disrupt MSH6 protein function with a negative predictive value of 95%. In summary, the available evidence is currently insufficient to determine the role of this variant in disease. Therefore, it has been classified as a Variant of Uncertain Significance.

CeGaT Center for Human Genetics Tuebingen
Classification: Uncertain significance. Last evaluated: 2024-01-01. Review status: criteria provided, single submitter. Criteria: CeGaT Center For Human Genetics Tuebingen Variant Classification Criteria Version 2. Collection method: clinical testing. Allele origin: germline. Affected: yes. Observed: 1 variant allele.
Comment: MSH6: PM2, BP1

NM_000179.3(MSH6):c.1906A>G (p.Thr636Ala)

Gene: MSH6 (mutS homolog 6; plus strand). Cytogenetic location: 2p16.3.
Variant type: single nucleotide variant.
Coding change: c.1906A>G on transcript NM_000179.3 (MANE Select); coding-DNA position 1906, A replaced by G.
Protein change: p.Thr636Ala; replaces threonine 636 with alanine.
Molecular consequence: missense variant.
Genome position (GRCh38, 1-based): chr2:47,799,889, A>G. VCF-style: chr2-47799889-A-G. GRCh37 (hg19) VCF-style: chr2-48027028-A-G.
Other names: c.1609A>G, p.Thr537Ala (NM_001406821.1, NM_001406822.1, NM_001406824.1 and 10 more transcripts); c.1000A>G, p.Thr334Ala (NM_001406823.1, NM_001281493.2, NM_001281494.2 and 6 more transcripts); c.1516A>G, p.Thr506Ala (NM_001281492.2); c.2002A>G, p.Thr668Ala (NM_001406795.1, NM_001406802.1); c.1906A>G, p.Thr636Ala (NM_001406796.1, NM_001406798.1, NM_001406800.1 and 3 more transcripts); c.1381A>G, p.Thr461Ala (NM_001406799.1, NM_001406806.1, NM_001406807.1); c.1828A>G, p.Thr610Ala (NM_001406804.1); c.1912A>G, p.Thr638Ala (NM_001406813.1); and 1 more; short protein forms T334A, T461A, T506A, T537A, T580A, T610A, T636A, T638A.
Identifiers: ClinVar variation 2418778 (VCV002418778.30), dbSNP rs1669391012, ClinGen allele CA346750148.